The following is an entry in ClinVar:

ClinVar aggregate classification (germline): Uncertain significance (1 of 4 stars; one submission).

Submission:

Ambry Genetics
Classification: Uncertain significance. Last evaluated: 2022-12-18. Review status: criteria provided, single submitter. Criteria: Ambry Variant Classification Scheme 2023. Collection method: clinical testing. Allele origin: germline.
Comment: The p.K898N variant (also known as c.2694A>T), located in coding exon 17 of the MYOM1 gene, results from an A to T substitution at nucleotide position 2694. The lysine at codon 898 is replaced by asparagine, an amino acid with similar properties. This amino acid position is conserved. In addition, this alteration is predicted to be tolerated by in silico analysis. Since supporting evidence is limited at this time, the clinical significance of this alteration remains unclear.

NM_003803.4(MYOM1):c.2694A>T (p.Lys898Asn)

Gene: MYOM1 (myomesin 1; minus strand). Cytogenetic location: 18p11.31.
Variant type: single nucleotide variant.
Coding change: c.2694A>T on transcript NM_003803.4 (MANE Select); coding-DNA position 2694, A replaced by T.
Protein change: p.Lys898Asn; replaces lysine 898 with asparagine.
Molecular consequence: missense variant. On other transcripts: intron variant (1).
Genome position (GRCh38, 1-based): chr18:3,129,332, T>A on the plus strand (A>T on the coding strand, the complement: MYOM1 is on the minus strand). VCF-style: chr18-3129332-T-A. GRCh37 (hg19) VCF-style: chr18-3129330-T-A.
Other names: c.2506+2043A>T (NM_019856.2); short protein forms K898N.
Identifiers: ClinVar variation 2447671 (VCV002447671.2), dbSNP rs2510621715, ClinGen allele CA401709862.